The following is an entry in ClinVar:

ClinVar aggregate classification (germline): Uncertain significance (1 of 4 stars; one submission).

Conditions:
Primary ciliary dyskinesia. Also called: Ciliary dyskinesia. Identifiers: Orphanet 244, MedGen C0008780, MONDO:0016575, HP:0012265.

gnomAD v4.1: 11 of 1,574,500 alleles (0.0007%); highest among the groups gnomAD compares: Non-Finnish European, 0.00086%; no homozygotes.

Submission:

Labcorp Genetics (formerly Invitae), Labcorp
Classification: Uncertain significance for Primary ciliary dyskinesia. Last evaluated: 2023-05-06. Review status: criteria provided, single submitter. Criteria: Invitae Variant Classification Sherloc (09022015). Collection method: clinical testing. Allele origin: germline.
Comment: In summary, the available evidence is currently insufficient to determine the role of this variant in disease. Therefore, it has been classified as a Variant of Uncertain Significance. Advanced modeling of protein sequence and biophysical properties (such as structural, functional, and spatial information, amino acid conservation, physicochemical variation, residue mobility, and thermodynamic stability) has been performed at Invitae for this missense variant, however the output from this modeling did not meet the statistical confidence thresholds required to predict the impact of this variant on DNAH11 protein function. This variant has not been reported in the literature in individuals affected with DNAH11-related conditions. The frequency data for this variant in the population databases is considered unreliable, as metrics indicate poor data quality at this position in the gnomAD database. This sequence change replaces arginine, which is basic and polar, with cysteine, which is neutral and slightly polar, at codon 3317 of the DNAH11 protein (p.Arg3317Cys).

NM_001277115.2(DNAH11):c.9949C>T (p.Arg3317Cys)

Gene: DNAH11 (dynein axonemal heavy chain 11; plus strand). Cytogenetic location: 7p15.3.
Variant type: single nucleotide variant.
Coding change: c.9949C>T on transcript NM_001277115.2 (MANE Select); coding-DNA position 9949, C replaced by T.
Protein change: p.Arg3317Cys; replaces arginine 3317 with cysteine.
Molecular consequence: missense variant.
Genome position (GRCh38, 1-based): chr7:21,789,265, C>T. VCF-style: chr7-21789265-C-T. GRCh37 (hg19) VCF-style: chr7-21828883-C-T.
Other names: c.9970C>T, p.Arg3324Cys (NM_003777.3); short protein forms R3324C, R3317C.
Identifiers: ClinVar variation 2730468 (VCV002730468.1), dbSNP rs578184089, ClinGen allele CA155091411.